The following is an entry in ClinVar:

ClinVar aggregate classification (germline): Uncertain significance (1 of 4 stars; one submission).

Conditions:
Hereditary cancer-predisposing syndrome. Also called: Hereditary Cancer Syndrome; Neoplastic Syndromes, Hereditary; Tumor predisposition; Hereditary neoplastic syndrome. Identifiers: Orphanet 140162, MedGen C0027672, MeSH D009386, MONDO:0015356.

Submission:

Ambry Genetics
Classification: Uncertain significance for Hereditary cancer-predisposing syndrome. Last evaluated: 2025-11-13. Review status: criteria provided, single submitter. Criteria: Ambry Variant Classification Scheme 2023. Collection method: clinical testing. Allele origin: germline.
Comment: The p.S2495P variant (also known as c.7483T>C), located in coding exon 49 of the ATM gene, results from a T to C substitution at nucleotide position 7483. The serine at codon 2495 is replaced by proline, an amino acid with similar properties. This amino acid position is conserved. In addition, the in silico prediction for this alteration is inconclusive. Based on the available evidence, the clinical significance of this variant remains unclear.

NM_000051.4(ATM):c.7483T>C (p.Ser2495Pro)

Genes: ATM (ATM serine/threonine kinase; plus strand), C11orf65 (chromosome 11 open reading frame 65; minus strand). Cytogenetic location: 11q22.3.
Variant type: single nucleotide variant.
Coding change: c.7483T>C on transcript NM_000051.4 (MANE Select); coding-DNA position 7483, T replaced by C.
Protein change: p.Ser2495Pro; replaces serine 2495 with proline.
Molecular consequence: missense variant. On other transcripts: intron variant (2).
Genome position (GRCh38, 1-based): chr11:108,330,389, T>C. VCF-style: chr11-108330389-T-C. GRCh37 (hg19) VCF-style: chr11-108201116-T-C.
Other names: c.7483T>C, p.Ser2495Pro (NM_001351834.2); c.641-21318A>G (NM_001330368.2); c.*38+4831A>G (NM_001351110.2); short protein forms S2495P.
Identifiers: ClinVar variation 4618263 (VCV004618263.1).